The following is an entry in ClinVar:

ClinVar aggregate classification (germline): Likely benign (0 of 4 stars; one submission).

Conditions:
PLXNA3-related disorder. Also called: PLXNA3-related condition.

Allele frequency attached by ClinVar (database versions not stated): 1000 Genomes Project 30x 0.00083; 1000 Genomes Project 0.00106; TOPMed 0.00135; ESP Exome Variant Server 0.00142; ExAC 0.00152; gnomAD 0.00200; gnomAD exomes 0.00229.
gnomAD v4.1: 2,740 of 1,210,308 alleles (0.23%); highest among the groups gnomAD compares: Non-Finnish European, 0.27%; 9 homozygotes.

Submission:

PreventionGenetics, part of Exact Sciences
Classification: Likely benign for PLXNA3-related condition. Last evaluated: 2019-07-12. Review status: no assertion criteria provided. Collection method: clinical testing. Allele origin: germline.
Comment: This variant is classified as likely benign based on ACMG/AMP sequence variant interpretation guidelines (Richards et al. 2015 PMID: 25741868, with internal and published modifications).

NM_017514.5(PLXNA3):c.5121C>T (p.Ser1707=)

Gene: PLXNA3 (plexin A3; plus strand). Cytogenetic location: Xq28.
Variant type: single nucleotide variant.
Coding change: c.5121C>T on transcript NM_017514.5 (MANE Select); coding-DNA position 5121, C replaced by T.
Protein change: p.Ser1707=; no amino-acid change (serine 1707 retained).
Molecular consequence: synonymous variant.
Genome position (GRCh38, 1-based): chrX:154,470,576, C>T. VCF-style: chrX-154470576-C-T. GRCh37 (hg19) VCF-style: chrX-153698919-C-T.
Identifiers: ClinVar variation 3049396 (VCV003049396.2), dbSNP rs144757857, ClinGen allele CA10565043.
Genomic context (GRCh38, chrX:154,470,576, plus strand): 5'-CCTGGCCATCAAGTACATGTTCGACTTCCTGGATGAGCAGGCGGACCAGCGCCAGATCAG[C>T]GACCCCGATGTGCGCCACACCTGGAAGAGCAACTGGTATCACCCCGTGCTGGGCTGCCAG-3'
Protein context (NP_059984.3, residues 1697-1717): LDEQADQRQI[Ser1707=]DPDVRHTWKS